The following is an entry in ClinVar:

ClinVar aggregate classification (germline): Uncertain significance (1 of 4 stars; one submission).

Conditions:
Arrhythmogenic cardiomyopathy with wooly hair and keratoderma. Also called: Carvajal syndrome; Dilated cardiomyopathy with woolly hair and keratoderma; Arrhythmogenic cardiomyopathy with woolly hair and keratoderma; PALMOPLANTAR KERATODERMA WITH LEFT VENTRICULAR CARDIOMYOPATHY AND WOOLLY HAIR. Identifiers: Orphanet 65282, MedGen C1854063, MONDO:0011581, OMIM 605676.
Arrhythmogenic right ventricular dysplasia 8 (ARVD8). Also called: Arrhythmogenic Right Ventricular Dysplasia/Cardiomyopathy 8; ARRHYTHMOGENIC RIGHT VENTRICULAR CARDIOMYOPATHY 8; ARRHYTHMOGENIC RIGHT VENTRICULAR DYSPLASIA, FAMILIAL, 8. Identifiers: MedGen C1843896, MONDO:0011831, OMIM 607450.

Submission:

Labcorp Genetics (formerly Invitae), Labcorp
Classification: Uncertain significance for Arrhythmogenic cardiomyopathy with wooly hair and keratoderma; Arrhythmogenic right ventricular dysplasia 8. Last evaluated: 2019-01-20. Review status: criteria provided, single submitter. Criteria: Invitae Variant Classification Sherloc (09022015). Collection method: clinical testing. Allele origin: germline.
Comment: In summary, the available evidence is currently insufficient to determine the role of this variant in disease. Therefore, it has been classified as a Variant of Uncertain Significance. Algorithms developed to predict the effect of missense changes on protein structure and function are either unavailable or do not agree on the potential impact of this missense change (SIFT: "Deleterious"; PolyPhen-2: "Probably Damaging"; Align-GVGD: "Class C0"). This variant has not been reported in the literature in individuals with DSP-related conditions. This variant is not present in population databases (ExAC no frequency). This sequence change replaces leucine with proline at codon 372 of the DSP protein (p.Leu372Pro). The leucine residue is highly conserved and there is a moderate physicochemical difference between leucine and proline.

NM_004415.4(DSP):c.1115T>C (p.Leu372Pro)

Gene: DSP (desmoplakin; plus strand). Cytogenetic location: 6p24.3.
Variant type: single nucleotide variant.
Coding change: c.1115T>C on transcript NM_004415.4 (MANE Select); coding-DNA position 1115, T replaced by C.
Protein change: p.Leu372Pro; replaces leucine 372 with proline.
Molecular consequence: missense variant.
Genome position (GRCh38, 1-based): chr6:7,567,424, T>C. VCF-style: chr6-7567424-T-C. GRCh37 (hg19) VCF-style: chr6-7567657-T-C.
Other names: c.1115T>C, p.Leu372Pro (NM_001008844.3, NM_001319034.2); short protein forms L372P.
Identifiers: ClinVar variation 843781 (VCV000843781.10), dbSNP rs1758895792, ClinGen allele CA362675730.